The following is an entry in ClinVar:

NM_001330260.2(SCN8A):c.814C>T (p.Leu272=)

Gene: SCN8A (sodium voltage-gated channel alpha subunit 8; plus strand). Cytogenetic location: 12q13.13.
Variant type: single nucleotide variant.
Coding change: c.814C>T on transcript NM_001330260.2 (MANE Select); coding-DNA position 814, C replaced by T.
Protein change: p.Leu272=; no amino-acid change (leucine 272 retained).
Molecular consequence: synonymous variant.
Genome position (GRCh38, 1-based): chr12:51,699,677, C>T. VCF-style: chr12-51699677-C-T. GRCh37 (hg19) VCF-style: chr12-52093461-C-T.
Other names: c.814C>T, p.Leu272= (NM_001177984.3, NM_001369788.1, NM_014191.4).
Identifiers: ClinVar variation 382720 (VCV000382720.15), dbSNP rs769727012, ClinGen allele CA6571157.
Genomic context (GRCh38, chr12:51,699,677, plus strand): 5'-TCAGATGTGATGATCCTGACAGTGTTCTGCCTGAGTGTTTTTGCCTTGATCGGACTGCAG[C>T]TGTTCATGGGGAACCTTCGAAACAAGTGTGTTGTGTGGCCCATAAACTTCAACGAGAGCT-3'
Protein context (NP_001317189.1, residues 262-282): LSVFALIGLQ[Leu272=]FMGNLRNKCV

ClinVar aggregate classification (germline): Likely benign. Review status: criteria provided, multiple submitters, no conflicts (2 of 4 stars). 4 submissions from 4 submitters: Likely benign (3). 1 of the submissions does not count toward it. Last evaluated 2025-10-27.

Conditions:
Early-infantile DEE. Also called: Ohtahara syndrome; Early infantile epileptic encephalopathy; Early infantile epileptic encephalopathy with suppression bursts. Identifiers: Orphanet 1934, MedGen C0393706, MONDO:0800491.
SCN8A-related disorder.

Allele frequency attached by ClinVar (database versions not stated): ExAC 0.00002; gnomAD 0.00002; TOPMed 0.00002; gnomAD exomes 0.00004.
gnomAD v4.1: 56 of 1,613,972 alleles (0.0035%); highest among the groups gnomAD compares: Non-Finnish European, 0.0045%; no homozygotes.

Submissions (4):

Labcorp Genetics (formerly Invitae), Labcorp
Classification: Likely benign for Early-infantile DEE. Last evaluated: 2025-10-27. Review status: criteria provided, single submitter. Criteria: Invitae Variant Classification Sherloc (09022015). Collection method: clinical testing. Allele origin: germline.

Blueprint Genetics
Classification: Likely benign. Last evaluated: 2024-09-02. Review status: criteria provided, single submitter. Criteria: ACMG Guidelines, 2015. Collection method: clinical testing. Allele origin: germline.

GeneDx
Classification: Likely benign. Last evaluated: 2016-01-11. Review status: criteria provided, single submitter. Criteria: GeneDx Variant Classification (06012015). Collection method: clinical testing. Allele origin: germline. Affected: yes.
Comment: This variant is considered likely benign or benign based on one or more of the following criteria: it is a conservative change, it occurs at a poorly conserved position in the protein, it is predicted to be benign by multiple in silico algorithms, and/or has population frequency not consistent with disease.

PreventionGenetics, part of Exact Sciences
Classification: Likely benign for SCN8A-related condition. Last evaluated: 2019-03-15. Review status: no assertion criteria provided. Collection method: clinical testing. Allele origin: germline. Not counted in ClinVar's aggregate classification.
Comment: This variant is classified as likely benign based on ACMG/AMP sequence variant interpretation guidelines (Richards et al. 2015 PMID: 25741868, with internal and published modifications).